The following is an entry in ClinVar:

ClinVar aggregate classification (germline): Uncertain significance (1 of 4 stars; one submission).

Conditions:
RASopathy. Also called: rasopathies; Noonan spectrum disorder. Identifiers: Orphanet 536391, MedGen C5555857, MONDO:0021060.

gnomAD v4.1: 4 of 1,614,208 alleles (0.00025%); highest among the groups gnomAD compares: East Asian, 0.0067%; 1 homozygote.

Submission:

Labcorp Genetics (formerly Invitae), Labcorp
Classification: Uncertain significance for RASopathy. Last evaluated: 2025-09-23. Review status: criteria provided, single submitter. Criteria: Invitae Variant Classification Sherloc (09022015). Collection method: clinical testing. Allele origin: germline.
Comment: This sequence change replaces isoleucine, which is neutral and non-polar, with valine, which is neutral and non-polar, at codon 4 of the RAF1 protein (p.Ile4Val). This variant is not present in population databases (gnomAD no frequency). This variant has not been reported in the literature in individuals affected with RAF1-related conditions. Invitae Evidence Modeling of protein sequence and biophysical properties (such as structural, functional, and spatial information, amino acid conservation, physicochemical variation, residue mobility, and thermodynamic stability) indicates that this missense variant is not expected to disrupt RAF1 protein function with a negative predictive value of 95%. In summary, the available evidence is currently insufficient to determine the role of this variant in disease. Therefore, it has been classified as a Variant of Uncertain Significance.

NM_002880.4(RAF1):c.10A>G (p.Ile4Val)

Gene: RAF1 (Raf-1 proto-oncogene, serine/threonine kinase; minus strand). Cytogenetic location: 3p25.2.
Variant type: single nucleotide variant.
Coding change: c.10A>G on transcript NM_002880.4 (MANE Select); coding-DNA position 10, A replaced by G.
Protein change: p.Ile4Val; replaces isoleucine 4 with valine.
Molecular consequence: missense variant. On other transcripts: 5 prime UTR variant (4), non-coding transcript variant (3).
Genome position (GRCh38, 1-based): chr3:12,618,712, T>C on the plus strand (A>G on the coding strand, the complement: RAF1 is on the minus strand). VCF-style: chr3-12618712-T-C. GRCh37 (hg19) VCF-style: chr3-12660211-T-C.
Other names: c.10A>G, p.Ile4Val (NM_001354689.3, NM_001354690.3, NM_001354693.3); c.-121A>G (NM_001354691.3, NM_001354692.3, NM_001354694.3 and 1 more transcripts); short protein forms I4V.
Identifiers: ClinVar variation 4801600 (VCV004801600.1).